The following is an entry in ClinVar:

ClinVar aggregate classification (germline): Uncertain significance (1 of 4 stars; one submission).

Allele frequency attached by ClinVar (database versions not stated): TOPMed below 0.00001; gnomAD exomes 0.00001 and 0.00002; ExAC 0.00002.
gnomAD v4.1: 14 of 1,613,218 alleles (0.00087%); highest among the groups gnomAD compares: South Asian, 0.0022%; no homozygotes.

Submission:

Labcorp Genetics (formerly Invitae), Labcorp
Classification: Uncertain significance. Last evaluated: 2024-09-10. Review status: criteria provided, single submitter. Criteria: Invitae Variant Classification Sherloc (09022015). Collection method: clinical testing. Allele origin: germline.
Comment: This sequence change replaces arginine, which is basic and polar, with cysteine, which is neutral and slightly polar, at codon 338 of the ZNF513 protein (p.Arg338Cys). This variant is present in population databases (rs779925116, gnomAD 0.006%). This variant has not been reported in the literature in individuals affected with ZNF513-related conditions. ClinVar contains an entry for this variant (Variation ID: 853891). An algorithm developed to predict the effect of missense changes on protein structure and function (PolyPhen-2) suggests that this variant is likely to be disruptive. In summary, the available evidence is currently insufficient to determine the role of this variant in disease. Therefore, it has been classified as a Variant of Uncertain Significance.

NM_144631.6(ZNF513):c.1012C>T (p.Arg338Cys)

Gene: ZNF513 (zinc finger protein 513; minus strand). Cytogenetic location: 2p23.3.
Variant type: single nucleotide variant.
Coding change: c.1012C>T on transcript NM_144631.6 (MANE Select); coding-DNA position 1012, C replaced by T.
Protein change: p.Arg338Cys; replaces arginine 338 with cysteine.
Molecular consequence: missense variant.
Genome position (GRCh38, 1-based): chr2:27,378,159, G>A on the plus strand (C>T on the coding strand, the complement: ZNF513 is on the minus strand). VCF-style: chr2-27378159-G-A. GRCh37 (hg19) VCF-style: chr2-27601026-G-A.
Other names: c.826C>T, p.Arg276Cys (NM_001201459.2); short protein forms R338C, R276C.
Identifiers: ClinVar variation 853891 (VCV000853891.9), dbSNP rs779925116, ClinGen allele CA1577875.